The following is an entry in ClinVar:

ClinVar aggregate classification (germline): Uncertain significance (1 of 4 stars; one submission).

Conditions:
Amyotrophic lateral sclerosis type 1 (ALS1). Also called: AMYOTROPHIC LATERAL SCLEROSIS 1, FAMILIAL. Identifiers: Orphanet 803, MedGen C1862939, MONDO:0007103, OMIM 105400.
Neuronopathy, distal hereditary motor, type 7B. Also called: NEURONOPATHY, DISTAL HEREDITARY MOTOR, AUTOSOMAL DOMINANT 14; NEURONOPATHY, DISTAL HEREDITARY MOTOR, HARDING TYPE VIIB; NEUROPATHY, DISTAL HEREDITARY MOTOR, HARDING TYPE VIIB; NEUROPATHY, DISTAL HEREDITARY MOTOR, WITH VOCAL CORD PARALYSIS, HARDING TYPE VIIB; Distal Hereditary Motor Neuronopathy Type 7B (dHMN7B); HMN VIIB. Identifiers: Orphanet 139589, MedGen C1843315, MONDO:0011879, OMIM 607641.
Perry syndrome. Also called: PARKINSONISM WITH ALVEOLAR HYPOVENTILATION AND MENTAL DEPRESSION. Identifiers: Orphanet 178509, MedGen C1868594, MONDO:0008201, OMIM 168605.

Allele frequency attached by ClinVar (database versions not stated): gnomAD 0.00001; gnomAD exomes below 0.00001.
gnomAD v4.1: 4 of 1,588,852 alleles (0.00025%); highest among the groups gnomAD compares: African/African-American, 0.0013%; no homozygotes.

Submission:

Labcorp Genetics (formerly Invitae), Labcorp
Classification: Uncertain significance for Amyotrophic lateral sclerosis type 1; Neuronopathy, distal hereditary motor, type 7B; Perry syndrome. Last evaluated: 2023-10-13. Review status: criteria provided, single submitter. Criteria: Invitae Variant Classification Sherloc (09022015). Collection method: clinical testing. Allele origin: germline.
Comment: This sequence change replaces alanine, which is neutral and non-polar, with threonine, which is neutral and polar, at codon 193 of the DCTN1 protein (p.Ala193Thr). This variant is not present in population databases (gnomAD no frequency). This variant has not been reported in the literature in individuals affected with DCTN1-related conditions. Advanced modeling of protein sequence and biophysical properties (such as structural, functional, and spatial information, amino acid conservation, physicochemical variation, residue mobility, and thermodynamic stability) performed at Invitae indicates that this missense variant is not expected to disrupt DCTN1 protein function. In summary, the available evidence is currently insufficient to determine the role of this variant in disease. Therefore, it has been classified as a Variant of Uncertain Significance.

NM_004082.5(DCTN1):c.577G>A (p.Ala193Thr)

Gene: DCTN1 (dynactin subunit 1; minus strand). Cytogenetic location: 2p13.1.
Variant type: single nucleotide variant.
Coding change: c.577G>A on transcript NM_004082.5 (MANE Select); coding-DNA position 577, G replaced by A.
Protein change: p.Ala193Thr; replaces alanine 193 with threonine.
Molecular consequence: missense variant. On other transcripts: non-coding transcript variant (1).
Genome position (GRCh38, 1-based): chr2:74,371,605, C>T on the plus strand (G>A on the coding strand, the complement: DCTN1 is on the minus strand). VCF-style: chr2-74371605-C-T. GRCh37 (hg19) VCF-style: chr2-74598732-C-T.
Other names: c.517G>A, p.Ala173Thr (NM_001135040.3); c.175G>A, p.Ala59Thr (NM_001135041.3, NM_023019.4); c.466G>A, p.Ala156Thr (NM_001190836.2); c.556G>A, p.Ala186Thr (NM_001190837.2); c.526G>A, p.Ala176Thr (NM_001378991.1); c.508G>A, p.Ala170Thr (NM_001378992.1); short protein forms A186T, A170T, A173T, A156T, A176T, A193T, A59T.
Identifiers: ClinVar variation 2927003 (VCV002927003.1), dbSNP rs1307156989, ClinGen allele CA347367101.